The following is an entry in ClinVar:

ClinVar aggregate classification (germline): Likely benign. Review status: criteria provided, single submitter (1 of 4 stars). 2 submissions from 2 submitters: Likely benign (1). 1 of the submissions does not count toward it. Last evaluated 2023-01-12.

Conditions:
NPC1-related disorder. Also called: NPC1-related condition.
Niemann-Pick disease, type C1. Also called: NIEMANN-PICK DISEASE, VARIANT TYPE C1; NEUROVISCERAL STORAGE DISEASE WITH VERTICAL SUPRANUCLEAR OPHTHALMOPLEGIA; NIEMANN-PICK DISEASE WITH CHOLESTEROL ESTERIFICATION BLOCK; NIEMANN-PICK DISEASE WITHOUT SPHINGOMYELINASE DEFICIENCY; NIEMANN-PICK DISEASE, CHRONIC NEURONOPATHIC FORM. Identifiers: Orphanet 646, MedGen C3179455, MONDO:0009757, OMIM 257220.

Submissions (2):

Labcorp Genetics (formerly Invitae), Labcorp
Classification: Likely benign for Niemann-Pick disease, type C1. Last evaluated: 2023-01-12. Review status: criteria provided, single submitter. Criteria: Invitae Variant Classification Sherloc (09022015). Collection method: clinical testing. Allele origin: germline.

PreventionGenetics, part of Exact Sciences
Classification: Likely benign for NPC1-related condition. Last evaluated: 2024-01-04. Review status: no assertion criteria provided. Collection method: clinical testing. Allele origin: germline. Not counted in ClinVar's aggregate classification.
Comment: This variant is classified as likely benign based on ACMG/AMP sequence variant interpretation guidelines (Richards et al. 2015 PMID: 25741868, with internal and published modifications).

NM_000271.5(NPC1):c.1395A>G (p.Gln465=)

Gene: NPC1 (NPC intracellular cholesterol transporter 1; minus strand). Cytogenetic location: 18q11.2.
Variant type: single nucleotide variant.
Coding change: c.1395A>G on transcript NM_000271.5 (MANE Select); coding-DNA position 1395, A replaced by G.
Protein change: p.Gln465=; no amino-acid change (glutamine 465 retained).
Molecular consequence: synonymous variant.
Genome position (GRCh38, 1-based): chr18:23,554,916, T>C on the plus strand (A>G on the coding strand, the complement: NPC1 is on the minus strand). VCF-style: chr18-23554916-T-C. GRCh37 (hg19) VCF-style: chr18-21134880-T-C.
Other names: c.1395A>G (NM_000271.4).
Identifiers: ClinVar variation 2078807 (VCV002078807.6), dbSNP rs2058928281, ClinGen allele CA503324995.